The following is an entry in ClinVar:

NM_002890.3(RASA1):c.1151G>C (p.Gly384Ala)

Genes: CCNH (cyclin H; minus strand), RASA1 (RAS p21 protein activator 1; plus strand). Cytogenetic location: 5q14.3.
Variant type: single nucleotide variant.
Coding change: c.1151G>C on transcript NM_002890.3 (MANE Select); coding-DNA position 1151, G replaced by C.
Protein change: p.Gly384Ala; replaces glycine 384 with alanine.
Molecular consequence: missense variant. On other transcripts: intron variant (1).
Genome position (GRCh38, 1-based): chr5:87,349,262, G>C. VCF-style: chr5-87349262-G-C. GRCh37 (hg19) VCF-style: chr5-86645079-G-C.
Other names: c.620G>C, p.Gly207Ala (NM_022650.3); c.934-36467C>G (NM_001364075.2); short protein forms G207A, G384A.
Identifiers: ClinVar variation 2078623 (VCV002078623.4), dbSNP rs1561300385, ClinGen allele CA360363750.
Genomic context (GRCh38, chr5:87,349,262, plus strand): 5'-TAATTCTTACAGTTGGTCAAGTCTGCAGTTTTCTTGTGAGGCCCTCAGATAATACTCCTG[G>C]CGATTATTCACTTTATTTCCGGACCAATGAAAATATTCAGCGATTTAAAATATGTCCAAC-3'
Protein context (NP_002881.1, residues 374-394): FLVRPSDNTP[Gly384Ala]DYSLYFRTNE

ClinVar aggregate classification (germline): Uncertain significance (1 of 4 stars; one submission).

Conditions:
Capillary malformation-arteriovenous malformation syndrome. Also called: Capillary malformation-arteriovenous malformation. Identifiers: Orphanet 137667, MedGen C1842180, MONDO:0012016.

Allele frequency attached by ClinVar (database versions not stated): gnomAD exomes below 0.00001.
gnomAD v4.1: 1 of 1,612,022 alleles (0.000062%); highest among the groups gnomAD compares: Non-Finnish European, 0.000085%; no homozygotes.

Submission:

Labcorp Genetics (formerly Invitae), Labcorp
Classification: Uncertain significance for Capillary malformation-arteriovenous malformation syndrome. Last evaluated: 2022-02-09. Review status: criteria provided, single submitter. Criteria: Invitae Variant Classification Sherloc (09022015). Collection method: clinical testing. Allele origin: germline.
Comment: This variant has not been reported in the literature in individuals affected with RASA1-related conditions. Algorithms developed to predict the effect of missense changes on protein structure and function are either unavailable or do not agree on the potential impact of this missense change (SIFT: "Tolerated"; PolyPhen-2: "Probably Damaging"; Align-GVGD: "Class C0"). In summary, the available evidence is currently insufficient to determine the role of this variant in disease. Therefore, it has been classified as a Variant of Uncertain Significance. This sequence change replaces glycine, which is neutral and non-polar, with alanine, which is neutral and non-polar, at codon 384 of the RASA1 protein (p.Gly384Ala). This variant is not present in population databases (gnomAD no frequency).